The following is an entry in ClinVar:

NM_004463.3(FGD1):c.918del (p.Ser307fs)

Gene: FGD1 (FYVE, RhoGEF and PH domain containing 1; minus strand). Cytogenetic location: Xp11.22.
Variant type: Deletion.
Coding change: c.918del on transcript NM_004463.3 (MANE Select); coding-DNA position 918, one base deleted (C; older notation c.918delC).
Protein change: p.Ser307fs; shifts the reading frame from serine 307.
Molecular consequence: frameshift variant.
Genome position (GRCh38, 1-based): chrX:54,470,199, G deleted on the plus strand (C on the coding strand, the reverse complement: FGD1 is on the minus strand); the first of 6 consecutive G bases (chrX:54,470,199-54,470,204); deleting any one gives the same sequence. VCF-style (leftmost placement, unchanged base first): chrX-54470198-TG-T. GRCh37 (hg19) VCF-style: chrX-54496631-TG-T.
Other names: short protein forms S307fs.
Identifiers: ClinVar variation 4804731 (VCV004804731.1).
Genomic context (GRCh38, chrX:54,470,198, plus strand): 5'-GGTCGGCCAAGGCAACAGGCACACTAGCCAGGGCAGGGGGCCCAGGGCAGAGGCTGTGGC[TG>T]GGGGGCCCGTCATCACTGACGAAGCAGGTCTCCTCGCTGTTGGATGGCGAGCTGATGCTA-3'

ClinVar aggregate classification (germline): Pathogenic (1 of 4 stars; one submission).

Submission:

Labcorp Genetics (formerly Invitae), Labcorp
Classification: Pathogenic. Last evaluated: 2025-06-12. Review status: criteria provided, single submitter. Criteria: Invitae Variant Classification Sherloc (09022015). Collection method: clinical testing. Allele origin: germline.
Comment: This sequence change creates a premature translational stop signal (p.Ser307Alafs*53) in the FGD1 gene. It is expected to result in an absent or disrupted protein product. Loss-of-function variants in FGD1 are known to be pathogenic (PMID: 21739585, 23211637, 25046119, 26029706). This variant is not present in population databases (gnomAD no frequency). This variant has not been reported in the literature in individuals affected with FGD1-related conditions. For these reasons, this variant has been classified as Pathogenic.

Literature cited by the submitters: PubMed 21739585; PubMed 23211637; PubMed 25046119; PubMed 26029706.